The following is an entry in ClinVar:

NM_001267550.2(TTN):c.5590_5597del (p.Val1864fs)

Gene: TTN (titin; minus strand). Cytogenetic location: 2q31.2.
Variant type: Deletion.
Coding change: c.5590_5597del on transcript NM_001267550.2 (MANE Select); coding-DNA positions 5590 to 5597, 8 bases deleted (GTAACAGG; older notation c.5590_5597delGTAACAGG).
Protein change: p.Val1864fs; shifts the reading frame from valine 1864.
Molecular consequence: frameshift variant.
Genome position (GRCh38, 1-based): chr2:178,776,267-178,776,274, CCTGTTAC deleted on the plus strand (GTAACAGG on the coding strand, the reverse complement: TTN is on the minus strand); deleting any 8 consecutive bases within chr2:178,776,267-178,776,278 gives the same sequence; the c. name uses the placement nearest the transcript's 3' end. VCF-style (leftmost placement, unchanged base first): chr2-178776266-GCCTGTTAC-G. GRCh37 (hg19) VCF-style: chr2-179640993-GCCTGTTAC-G.
Other names: c.5590_5597del, p.Val1864fs (NM_001256850.1, NM_133378.4, NM_133379.5); c.5586_5593delCAGGGTAA, p.Val1864Leufs (NM_001267550.1); c.5452_5459del, p.Val1818fs (NM_003319.4, NM_133432.3, NM_133437.4); short protein forms V1818fs, V1864fs.
Identifiers: ClinVar variation 2505608 (VCV002505608.1), dbSNP rs2532861930, ClinGen allele CA2580616625.
Genomic context (GRCh38, chr2:178,776,266, plus strand): 5'-CCTTTTGCTTTTGCGGATGAGCTGTCCATTGAGGTACCAGTTGACTTTGGGCTGAGGGTA[GCCTGTTAC>G]CCTGCAGCGGAACCTTGCAGTCTCCCCTTCAAGTACTCTAACTGGCTCTGGGTACAAGAC-3'

ClinVar aggregate classification (germline): Uncertain significance (1 of 4 stars; one submission).

Submission:

GeneDx
Classification: Uncertain significance. Last evaluated: 2022-12-16. Review status: criteria provided, single submitter. Criteria: GeneDx Variant Classification Process June 2021. Collection method: clinical testing. Allele origin: germline. Affected: yes.
Comment: Not observed at significant frequency in large population cohorts (gnomAD); Frameshift variant predicted to result in protein truncation or nonsense mediated decay in a gene or region of a gene for which loss of function is not a well-established mechanism of disease; Has not been previously published as pathogenic or benign to our knowledge